The following is an entry in ClinVar:

NM_020937.4(FANCM):c.1531C>T (p.His511Tyr)

Gene: FANCM (FA complementation group M; plus strand). Cytogenetic location: 14q21.2.
Variant type: single nucleotide variant.
Coding change: c.1531C>T on transcript NM_020937.4 (MANE Select); coding-DNA position 1531, C replaced by T.
Protein change: p.His511Tyr; replaces histidine 511 with tyrosine.
Molecular consequence: missense variant.
Genome position (GRCh38, 1-based): chr14:45,159,230, C>T. VCF-style: chr14-45159230-C-T. GRCh37 (hg19) VCF-style: chr14-45628433-C-T.
Other names: c.1453C>T, p.His485Tyr (NM_001308133.2); c.1531C>T, p.His511Tyr (NM_001308134.2); short protein forms H485Y, H511Y.
Identifiers: ClinVar variation 3848636 (VCV003848636.1).

ClinVar aggregate classification (germline): Uncertain significance (1 of 4 stars; one submission).

Conditions:
Inborn genetic diseases. Identifiers: MedGen C0950123, MeSH D030342.

Submission:

Ambry Genetics
Classification: Uncertain significance for Inborn genetic diseases. Last evaluated: 2025-01-17. Review status: criteria provided, single submitter. Criteria: Ambry Variant Classification Scheme 2023. Collection method: clinical testing. Allele origin: germline.
Comment: The p.H511Y variant (also known as c.1531C>T), located in coding exon 9 of the FANCM gene, results from a C to T substitution at nucleotide position 1531. The histidine at codon 511 is replaced by tyrosine, an amino acid with similar properties. This amino acid position is conserved. In addition, this alteration is predicted to be tolerated by in silico analysis. Based on the available evidence, the clinical significance of this variant remains unclear.